The following is an entry in ClinVar:

NM_003477.3(PDHX):c.343-1G>A

Gene: PDHX (pyruvate dehydrogenase complex component X; plus strand). Cytogenetic location: 11p13.
Variant type: single nucleotide variant.
Coding change: c.343-1G>A on transcript NM_003477.3 (MANE Select); the canonical splice acceptor site of the intron before coding-DNA position 343, G replaced by A.
Molecular consequence: splice acceptor variant. On other transcripts: intron variant (1).
Genome position (GRCh38, 1-based): chr11:34,957,383, G>A. VCF-style: chr11-34957383-G-A. GRCh37 (hg19) VCF-style: chr11-34978930-G-A.
Other names: c.163-1G>A (NM_001135024.2); c.342+9777G>A (NM_001166158.2).
Identifiers: ClinVar variation 5007861 (VCV005007861.2).
Genomic context (GRCh38, chr11:34,957,383, plus strand): 5'-AAACTACTTAATGCAGTCATGGGGTTTTACTTCTCTACAGTTACTTCTTTTTTAAATATA[G>A]GTTGAAGAAGGAAGTAAAAATATACGGCTAGGTTCACTAATTGGTTTGATAGTAGAAGAA-3'

ClinVar aggregate classification (germline): Likely pathogenic (1 of 4 stars; one submission).

Conditions:
Pyruvate dehydrogenase E3-binding protein deficiency (PDHXD). Also called: E3-Binding Protein (Component X) Deficiency; LACTIC ACIDEMIA DUE TO DEFECT IN LIPOYL-CONTAINING COMPONENT X OF THE PYRUVATE DEHYDROGENASE COMPLEX; Lacticacidemia due to PDX1 deficiency; PYRUVATE HYDROGENASE E3-BINDING PROTEIN DEFICIENCY. Identifiers: Orphanet 255182, MedGen C1855553, MONDO:0009503, OMIM 245349.

Submission:

Juno Genomics, Hangzhou Juno Genomics, Inc
Classification: Likely pathogenic for Pyruvate dehydrogenase E3-binding protein deficiency. Review status: criteria provided, single submitter. Criteria: ACMG Guidelines, 2015. Collection method: clinical testing. Allele origin: germline.
Comment: Null variant in a gene where loss of function (LOF) is a known mechanism of disease.;Absent from controls (or at extremely low frequency if recessive) in Genome Aggregation Database.